The following is an entry in ClinVar:

ClinVar aggregate classification (germline): Conflicting classifications of pathogenicity. Review status: criteria provided, conflicting classifications (1 of 4 stars). 3 submissions from 3 submitters: Uncertain significance (1); Likely benign (2). Last evaluated 2026-03-16.

Conditions:
POR-related disorder. Also called: POR-related condition.
Congenital adrenal hyperplasia due to cytochrome P450 oxidoreductase deficiency. Also called: DISORDERED STEROIDOGENESIS DUE TO POR DEFICIENCY. Identifiers: Orphanet 95699, MedGen C1860042, MONDO:0013310, OMIM 613571.

Allele frequency attached by ClinVar (database versions not stated): gnomAD exomes 0.00002 and 0.00003; gnomAD 0.00003 and 0.00004; ExAC 0.00009; TOPMed 0.00010; 1000 Genomes Project 30x 0.00016; 1000 Genomes Project 0.00020.
gnomAD v4.1: 32 of 1,583,072 alleles (0.002%); highest among the groups gnomAD compares: Admixed American, 0.014%; no homozygotes.

Submissions (3):

PreventionGenetics, part of Exact Sciences
Classification: Likely benign for POR-related condition. Last evaluated: 2026-03-16. Review status: criteria provided, single submitter. Criteria: ACMG Guidelines, 2015. Collection method: clinical testing. Allele origin: germline.
Comment: This variant is classified as likely benign based on ACMG/AMP sequence variant interpretation guidelines (Richards et al. 2015 PMID: 25741868, with internal and published modifications).

Women's Health and Genetics/Laboratory Corporation of America, LabCorp
Classification: Uncertain significance. Last evaluated: 2026-02-11. Review status: criteria provided, single submitter. Criteria: LabCorp Variant Classification Summary - May 2015. Collection method: clinical testing. Allele origin: germline.
Comment: Variant summary: POR c.1662C>T (p.Gly554Gly) alters a conserved nucleotide located close to a canonical splice site and therefore could affect mRNA splicing, leading to a significantly altered protein sequence. Several computational tools predict a significant impact on normal splicing: Three predict the variant creates a 5' donor site. One predict the variant no significant impact on splicing. However, these predictions have yet to be confirmed by functional studies. The variant allele was found at a frequency of 3.4e-05 in 204258 control chromosomes. The available data on variant occurrences in the general population are insufficient to allow any conclusion about variant significance. To our knowledge, no occurrence of c.1662C>T in individuals affected with POR-related conditions and no experimental evidence demonstrating its impact on protein function have been reported. ClinVar contains an entry for this variant (Variation ID: 1388302). Based on the evidence outlined above, the variant was classified as uncertain significance.

Labcorp Genetics (formerly Invitae), Labcorp
Classification: Likely benign for Congenital adrenal hyperplasia due to cytochrome P450 oxidoreductase deficiency. Last evaluated: 2025-01-20. Review status: criteria provided, single submitter. Criteria: Invitae Variant Classification Sherloc (09022015). Collection method: clinical testing. Allele origin: germline.

NM_001395413.1(POR):c.1662C>T (p.Gly554=)

Gene: POR (cytochrome p450 oxidoreductase; plus strand). Cytogenetic location: 7q11.23.
Variant type: single nucleotide variant.
Coding change: c.1662C>T on transcript NM_001395413.1 (MANE Select); coding-DNA position 1662, C replaced by T.
Protein change: p.Gly554=; no amino-acid change (glycine 554 retained).
Molecular consequence: synonymous variant.
Genome position (GRCh38, 1-based): chr7:75,985,924, C>T. VCF-style: chr7-75985924-C-T. GRCh37 (hg19) VCF-style: chr7-75615242-C-T.
Other names: c.1662C>T, p.Gly554= (NM_001367562.3, NM_001382657.2, NM_001382658.3 and 1 more transcripts); c.1716C>T, p.Gly572= (NM_001382655.3); c.1512C>T, p.Gly504= (NM_001382662.3); c.1671C>T (NM_000941.2).
Identifiers: ClinVar variation 1388302 (VCV001388302.8), dbSNP rs541657992, ClinGen allele CA4304241.